The following is an entry in ClinVar:

NM_002332.3(LRP1):c.7980C>T (p.Cys2660=)

Gene: LRP1 (LDL receptor related protein 1; plus strand). Cytogenetic location: 12q13.3.
Variant type: single nucleotide variant.
Coding change: c.7980C>T on transcript NM_002332.3 (MANE Select); coding-DNA position 7980, C replaced by T.
Protein change: p.Cys2660=; no amino-acid change (cysteine 2660 retained).
Molecular consequence: synonymous variant.
Genome position (GRCh38, 1-based): chr12:57,194,415, C>T. VCF-style: chr12-57194415-C-T. GRCh37 (hg19) VCF-style: chr12-57588198-C-T.
Other names: NC_000012.11:g.57588198C>T.
Identifiers: ClinVar variation 784672 (VCV000784672.31), dbSNP rs138980324, ClinGen allele CA6644236.

ClinVar aggregate classification (germline): Likely benign. Review status: criteria provided, multiple submitters, no conflicts (2 of 4 stars). 4 submissions from 4 submitters: Likely benign (4). Last evaluated 2024-11-18.

Allele frequency attached by ClinVar (database versions not stated): 1000 Genomes Project 30x 0.00047; 1000 Genomes Project 0.00060; ExAC 0.00129; gnomAD exomes 0.00129 and 0.00234; TOPMed 0.00152; gnomAD 0.00153 and 0.00158; ESP Exome Variant Server 0.00192.
gnomAD v4.1: 3,430 of 1,525,272 alleles (0.22%); highest among the groups gnomAD compares: Non-Finnish European, 0.27%; 3 homozygotes.

Submissions (6):

Blueprint Genetics
Classification: Likely benign. Last evaluated: 2024-11-18. Review status: criteria provided, single submitter. Criteria: ACMG Guidelines, 2015. Collection method: clinical testing. Allele origin: germline.

CeGaT Center for Human Genetics Tuebingen
Classification: Likely benign. Last evaluated: 2022-12-01. Review status: criteria provided, single submitter. Criteria: CeGaT Center For Human Genetics Tuebingen Variant Classification Criteria Version 2. Collection method: clinical testing. Allele origin: germline. Affected: yes. Observed: 1 variant allele.
Comment: LRP1: BP4, BP7

Labcorp Genetics (formerly Invitae), Labcorp
Classification: Likely benign. Last evaluated: 2019-12-31. Review status: criteria provided, single submitter. Criteria: Invitae Variant Classification Sherloc (09022015). Collection method: clinical testing. Allele origin: germline.

Breakthrough Genomics
Classification: Likely benign. Review status: criteria provided, single submitter. Criteria: ACMG Guidelines, 2015. Collection method: not provided. Allele origin: germline. Inheritance: Autosomal recessive inheritance. Affected: yes.

Dr. Peter K. Rogan Lab, Western University
No classification provided (evidence only). Condition: Lung cancer. Review status: no classification provided. Collection method: in vitro. Allele origin: not applicable. Functional consequence: retained intron. Not counted in ClinVar's aggregate classification.

Dr. Peter K. Rogan Lab, Western University
No classification provided (evidence only). Condition: Cervical cancer. Review status: no classification provided. Collection method: in vitro. Allele origin: not applicable. Functional consequence: skipped exon. Not counted in ClinVar's aggregate classification.